The following is an entry in ClinVar:

NM_018129.4(PNPO):c.417+6T>C

Gene: PNPO (pyridoxamine 5'-phosphate oxidase; plus strand). Cytogenetic location: 17q21.32.
Variant type: single nucleotide variant.
Coding change: c.417+6T>C on transcript NM_018129.4 (MANE Select); 6 bases into the intron after coding-DNA position 417, T replaced by C.
Molecular consequence: intron variant.
Genome position (GRCh38, 1-based): chr17:47,945,618, T>C. VCF-style: chr17-47945618-T-C. GRCh37 (hg19) VCF-style: chr17-46022984-T-C.
Identifiers: ClinVar variation 1462991 (VCV001462991.6), dbSNP rs1022514263, ClinGen allele CA291296141.

ClinVar aggregate classification (germline): Uncertain significance (1 of 4 stars; one submission).

Conditions:
Pyridoxal phosphate-responsive seizures (PNPOD). Also called: Pyridoxamine 5-Prime-Phosphate Oxidase Deficiency; Pyridoxine-5'-phosphate oxidase deficiency; EPILEPTIC ENCEPHALOPATHY, NEONATAL, PNPO-RELATED; SEIZURES, PYRIDOXINE-RESISTANT, PLP-SENSITIVE; Pyridoxal 5'-Phosphate (PLP)-Dependent Epilepsy. Identifiers: Orphanet 79096, MedGen C1864723, MONDO:0012407, OMIM 610090. Disease mechanism: loss of function.

Allele frequency attached by ClinVar (database versions not stated): gnomAD 0.00001; TOPMed 0.00003.

Submission:

Labcorp Genetics (formerly Invitae), Labcorp
Classification: Uncertain significance for Pyridoxal phosphate-responsive seizures. Last evaluated: 2022-06-01. Review status: criteria provided, single submitter. Criteria: Invitae Variant Classification Sherloc (09022015). Collection method: clinical testing. Allele origin: germline.
Comment: This sequence change falls in intron 4 of the PNPO gene. It does not directly change the encoded amino acid sequence of the PNPO protein. It affects a nucleotide within the consensus splice site. This variant is not present in population databases (gnomAD no frequency). This variant has not been reported in the literature in individuals affected with PNPO-related conditions. ClinVar contains an entry for this variant (Variation ID: 1462991). Variants that disrupt the consensus splice site are a relatively common cause of aberrant splicing (PMID: 17576681, 9536098). Algorithms developed to predict the effect of sequence changes on RNA splicing suggest that this variant is not likely to affect RNA splicing. In summary, the available evidence is currently insufficient to determine the role of this variant in disease. Therefore, it has been classified as a Variant of Uncertain Significance.

Literature cited by the submitters: PubMed 17576681; PubMed 9536098.